The following is an entry in ClinVar:

ClinVar aggregate classification (germline): Benign. Review status: criteria provided, multiple submitters, no conflicts (2 of 4 stars). 2 submissions from 2 submitters: Benign (2). Last evaluated 2018-06-16.

Allele frequency attached by ClinVar (database versions not stated): TOPMed 0.27032; gnomAD 0.28937 and 0.29802; 1000 Genomes Project 30x 0.28951; 1000 Genomes Project 0.29193; gnomAD exomes 0.38707.
gnomAD v4.1: 567,667 of 1,506,178 alleles (38%); highest among the groups gnomAD compares: South Asian, 47%; 112,654 homozygotes.

Submissions (2):

GeneDx
Classification: Benign. Last evaluated: 2018-06-16. Review status: criteria provided, single submitter. Criteria: GeneDx Variant Classification (06012015). Collection method: clinical testing. Allele origin: germline. Affected: yes.
Comment: This variant is considered likely benign or benign based on one or more of the following criteria: it is a conservative change, it occurs at a poorly conserved position in the protein, it is predicted to be benign by multiple in silico algorithms, and/or has population frequency not consistent with disease.

Breakthrough Genomics
Classification: Benign. Review status: criteria provided, single submitter. Criteria: ACMG Guidelines, 2015. Collection method: not provided. Allele origin: germline. Inheritance: Autosomal recessive inheritance. Affected: yes.

NM_003172.4(SURF1):c.106+81G>C

Gene: SURF1 (SURF1 cytochrome c oxidase assembly factor; minus strand). Cytogenetic location: 9q34.2.
Variant type: single nucleotide variant.
Coding change: c.106+81G>C on transcript NM_003172.4 (MANE Select); 81 bases into the intron after coding-DNA position 106, G replaced by C.
Molecular consequence: intron variant.
Genome position (GRCh38, 1-based): chr9:133,356,188, C>G on the plus strand (G>C on the coding strand, the complement: SURF1 is on the minus strand). VCF-style: chr9-133356188-C-G. GRCh37 (hg19) VCF-style: chr9-136223043-C-G.
Other names: c.-222+212G>C (NM_001280787.1).
Identifiers: ClinVar variation 676422 (VCV000676422.2), dbSNP rs59358281, ClinGen allele CA200834026.